The following is an entry in ClinVar:

ClinVar aggregate classification (germline): Uncertain significance. Review status: criteria provided, multiple submitters, no conflicts (2 of 4 stars). 2 submissions from 2 submitters: Uncertain significance (2). Last evaluated 2024-03-08.

Conditions:
Fraser syndrome 1 (FRASRS1). Also called: CRYPTOPHTHALMOS WITH OTHER MALFORMATIONS. Identifiers: Orphanet 2052, MedGen C4551480, MONDO:0054737, OMIM 219000.

Allele frequency attached by ClinVar (database versions not stated): ExAC 0.00001; gnomAD 0.00001.
gnomAD v4.1: 24 of 1,613,424 alleles (0.0015%); highest among the groups gnomAD compares: Non-Finnish European, 0.00093%; no homozygotes.

Submissions (2):

Fulgent Genetics
Classification: Uncertain significance for Fraser syndrome 1. Last evaluated: 2024-03-08. Review status: criteria provided, single submitter. Criteria: ACMG Guidelines, 2015. Collection method: clinical testing. Allele origin: germline.

Labcorp Genetics (formerly Invitae), Labcorp
Classification: Uncertain significance. Last evaluated: 2022-08-31. Review status: criteria provided, single submitter. Criteria: Invitae Variant Classification Sherloc (09022015). Collection method: clinical testing. Allele origin: germline.
Comment: This sequence change replaces glutamine, which is neutral and polar, with proline, which is neutral and non-polar, at codon 2024 of the FRAS1 protein (p.Gln2024Pro). This variant is present in population databases (rs752066179, gnomAD 0.02%). This variant has not been reported in the literature in individuals affected with FRAS1-related conditions. Algorithms developed to predict the effect of missense changes on protein structure and function output the following: SIFT: "Tolerated"; PolyPhen-2: "Benign"; Align-GVGD: "Class C0". The proline amino acid residue is found in multiple mammalian species, which suggests that this missense change does not adversely affect protein function. In summary, the available evidence is currently insufficient to determine the role of this variant in disease. Therefore, it has been classified as a Variant of Uncertain Significance.

NM_025074.7(FRAS1):c.6071A>C (p.Gln2024Pro)

Gene: FRAS1 (Fraser extracellular matrix complex subunit 1; plus strand). Cytogenetic location: 4q21.21.
Variant type: single nucleotide variant.
Coding change: c.6071A>C on transcript NM_025074.7 (MANE Select); coding-DNA position 6071, A replaced by C.
Protein change: p.Gln2024Pro; replaces glutamine 2024 with proline.
Molecular consequence: missense variant.
Genome position (GRCh38, 1-based): chr4:78,448,113, A>C. VCF-style: chr4-78448113-A-C. GRCh37 (hg19) VCF-style: chr4-79369267-A-C.
Other names: short protein forms Q2024P.
Identifiers: ClinVar variation 1919938 (VCV001919938.3), dbSNP rs752066179, ClinGen allele CA2977693.